The following is an entry in ClinVar:

NM_013275.6(ANKRD11):c.5713G>C (p.Gly1905Arg)

Gene: ANKRD11 (ankyrin repeat domain containing 11; minus strand). Cytogenetic location: 16q24.3.
Variant type: single nucleotide variant.
Coding change: c.5713G>C on transcript NM_013275.6 (MANE Select); coding-DNA position 5713, G replaced by C.
Protein change: p.Gly1905Arg; replaces glycine 1905 with arginine.
Molecular consequence: missense variant.
Genome position (GRCh38, 1-based): chr16:89,280,829, C>G on the plus strand (G>C on the coding strand, the complement: ANKRD11 is on the minus strand). VCF-style: chr16-89280829-C-G. GRCh37 (hg19) VCF-style: chr16-89347237-C-G.
Other names: c.5713G>C, p.Gly1905Arg (NM_001256182.2, NM_001256183.2); short protein forms G1905R.
Identifiers: ClinVar variation 2663103 (VCV002663103.1), dbSNP rs2544226478, ClinGen allele CA397153196.
Genomic context (GRCh38, chr16:89,280,829, plus strand): 5'-GGATGATGGCGGCCGTCGCCTGCTGGTCCTCGGAGGTGTCCAGGTCCGGGGGAAGGGCCC[C>G]TTCGAGGGAAGGAACCAGCAGCTCGGCTCTGGGGGAAGGGGAAGGTTTTGCTTGTAAACT-3'
Protein context (NP_037407.4, residues 1895-1915): RAELLVPSLE[Gly1905Arg]ALPPDLDTSE

ClinVar aggregate classification (germline): Uncertain significance (1 of 4 stars; one submission).

Submission:

GeneDx
Classification: Uncertain significance. Last evaluated: 2023-05-08. Review status: criteria provided, single submitter. Criteria: GeneDx Variant Classification Process June 2021. Collection method: clinical testing. Allele origin: germline. Affected: yes.
Comment: Not observed at significant frequency in large population cohorts (gnomAD); In silico analysis supports that this missense variant does not alter protein structure/function; Has not been previously published as pathogenic or benign to our knowledge